The following is an entry in ClinVar:

ClinVar aggregate classification (germline): Uncertain significance (1 of 4 stars; one submission).

Submission:

Labcorp Genetics (formerly Invitae), Labcorp
Classification: Uncertain significance. Last evaluated: 2021-10-23. Review status: criteria provided, single submitter. Criteria: Invitae Variant Classification Sherloc (09022015). Collection method: clinical testing. Allele origin: germline.
Comment: This sequence change replaces aspartic acid with tyrosine at codon 603 of the CHM protein (p.Asp603Tyr). The aspartic acid residue is moderately conserved and there is a large physicochemical difference between aspartic acid and tyrosine. This variant is not present in population databases (ExAC no frequency). This variant has not been reported in the literature in individuals affected with CHM-related conditions. Algorithms developed to predict the effect of missense changes on protein structure and function are either unavailable or do not agree on the potential impact of this missense change (SIFT: "Deleterious"; PolyPhen-2: "Probably Damaging"; Align-GVGD: "Class C0"). In summary, the available evidence is currently insufficient to determine the role of this variant in disease. Therefore, it has been classified as a Variant of Uncertain Significance.

NM_000390.4(CHM):c.1807G>T (p.Asp603Tyr)

Gene: CHM (CHM Rab escort protein; minus strand). Cytogenetic location: Xq21.2.
Variant type: single nucleotide variant.
Coding change: c.1807G>T on transcript NM_000390.4 (MANE Select); coding-DNA position 1807, G replaced by T.
Protein change: p.Asp603Tyr; replaces aspartic acid 603 with tyrosine.
Molecular consequence: missense variant.
Genome position (GRCh38, 1-based): chrX:85,864,785, C>A on the plus strand (G>T on the coding strand, the complement: CHM is on the minus strand). VCF-style: chrX-85864785-C-A. GRCh37 (hg19) VCF-style: chrX-85119790-C-A.
Other names: c.1363G>T, p.Asp455Tyr (NM_001320959.1, NM_001362517.1, NM_001362518.2 and 1 more transcripts); short protein forms D455Y, D603Y.
Identifiers: ClinVar variation 1472417 (VCV001472417.3), dbSNP rs2148112041, ClinGen allele CA413785466.
Genomic context (GRCh38, chrX:85,864,785, plus strand): 5'-GCTGTAAACTGTCTCCATCAAGGATAATGTCTTCAGGATTTGGTGGAGGGGGACAGAAAT[C>A]TTCATTGGGGCAGATTTCCTGGAAAAGTGTTTCAGCCTGGCCAAGGAAGAAAAGATAAAA-3'
Protein context (NP_000381.1, residues 593-613): TLFQEICPNE[Asp603Tyr]FCPPPPNPED